The following is an entry in ClinVar:

NM_000059.4(BRCA2):c.6419_6420insA (p.Gly2141fs)

Gene: BRCA2 (BRCA2 DNA repair associated; plus strand). Cytogenetic location: 13q13.1.
Variant type: Insertion.
Coding change: c.6419_6420insA on transcript NM_000059.4 (MANE Select); coding-DNA positions 6419 to 6420, A inserted.
Protein change: p.Gly2141fs; shifts the reading frame from glycine 2141.
Molecular consequence: frameshift variant.
Genome position: GRCh38 VCF-style: chr13-32340774-G-GA. GRCh37 (hg19) VCF-style: chr13-32914911-G-GA.
Other names: short protein forms G2141fs.
Identifiers: ClinVar variation 548392 (VCV000548392.1), dbSNP rs1555284677, ClinGen allele CA658823708.

ClinVar aggregate classification (germline): Pathogenic (3 of 4 stars; one submission).

Conditions:
Breast-ovarian cancer, familial, susceptibility to, 2 (BROVCA2). Also called: BRCA2 Hereditary Breast and Ovarian Cancer. Identifiers: Orphanet 145, MedGen C2675520, MONDO:0012933, OMIM 612555. Disease mechanism: loss of function.

Submission:

Evidence-based Network for the Interpretation of Germline Mutant Alleles (ENIGMA)
Classification: Pathogenic for Breast-ovarian cancer, familial, susceptibility to, 2. Last evaluated: 2017-12-15. Review status: reviewed by expert panel. Criteria: ENIGMA BRCA1/2 Classification Criteria (2017-06-29). Collection method: curation. Allele origin: germline. Study: ENIGMA.
Comment: Variant allele predicted to encode a truncated non-functional protein.